The following is an entry in ClinVar:

NM_004656.4(BAP1):c.581-4C>T

Gene: BAP1 (BRCA1 associated deubiquitinase 1; minus strand). Cytogenetic location: 3p21.1.
Variant type: single nucleotide variant.
Coding change: c.581-4C>T on transcript NM_004656.4 (MANE Select); 4 bases into the intron before coding-DNA position 581, C replaced by T.
Molecular consequence: intron variant.
Genome position (GRCh38, 1-based): chr3:52,406,911, G>A on the plus strand (C>T on the coding strand, the complement: BAP1 is on the minus strand). VCF-style: chr3-52406911-G-A. GRCh37 (hg19) VCF-style: chr3-52440927-G-A.
Identifiers: ClinVar variation 758278 (VCV000758278.22), dbSNP rs1578225974, ClinGen allele CA915942500.
Genomic context (GRCh38, chr3:52,406,911, plus strand): 5'-GCTCCATGATGACCCGCCGGGCCTTGTCTGTCCACTCCTCGTCCTCCCCCCAGGGCCCTA[G>A]TGGAGACCAAGACAAGGAATCAGCGAGAAGGAAACCCTGAGTTTGGGCAGGCCAGGAGTG-3'

ClinVar aggregate classification (germline): Conflicting classifications of pathogenicity. Review status: criteria provided, conflicting classifications (1 of 4 stars). 6 submissions from 6 submitters: Uncertain significance (2); Likely benign (4). Last evaluated 2025-06-10.

Conditions:
Hereditary cancer-predisposing syndrome. Also called: Tumor predisposition; Neoplastic Syndromes, Hereditary; Hereditary Cancer Syndrome; Hereditary neoplastic syndrome. Identifiers: Orphanet 140162, MedGen C0027672, MeSH D009386, MONDO:0015356.
BAP1-related tumor predisposition syndrome (TPDS1). Also called: Tumor susceptibility linked to germline BAP1 mutations; BAP1 tumor predisposition syndrome; COMMON Syndrome; TUMOR PREDISPOSITION SYNDROME 1. Identifiers: Orphanet 289539, MedGen C3280492, MONDO:0013692, OMIM 614327.

Allele frequency attached by ClinVar (database versions not stated): gnomAD 0.00001; TOPMed 0.00001; gnomAD exomes 0.00002.
gnomAD v4.1: 24 of 1,570,476 alleles (0.0015%); highest among the groups gnomAD compares: Non-Finnish European, 0.0021%; no homozygotes.

Submissions (6):

Labcorp Genetics (formerly Invitae), Labcorp
Classification: Likely benign for BAP1-related tumor predisposition syndrome. Last evaluated: 2025-06-10. Review status: criteria provided, single submitter. Criteria: Invitae Variant Classification Sherloc (09022015). Collection method: clinical testing. Allele origin: germline.

Center for Genomic Medicine, Rigshospitalet, Copenhagen University Hospital
Classification: Likely benign. Last evaluated: 2025-03-04. Review status: criteria provided, single submitter. Criteria: ACMG Guidelines, 2015. Collection method: clinical testing. Allele origin: germline.

Myriad Genetics, Inc.
Classification: Likely benign for BAP1-related tumor predisposition syndrome. Last evaluated: 2024-07-12. Review status: criteria provided, single submitter. Criteria: Myriad Autosomal Dominant, Autosomal Recessive and X-Linked Classification Criteria (2023). Collection method: clinical testing. Allele origin: unknown.
Comment: This variant is considered likely benign. This variant is intronic and is not expected to impact mRNA splicing.

Ambry Genetics
Classification: Likely benign for Hereditary cancer-predisposing syndrome. Last evaluated: 2024-03-27. Review status: criteria provided, single submitter. Criteria: Ambry Variant Classification Scheme 2023. Collection method: clinical testing. Allele origin: germline.

Color Diagnostics, LLC DBA Color Health
Classification: Uncertain significance for Hereditary cancer-predisposing syndrome. Last evaluated: 2020-10-20. Review status: criteria provided, single submitter. Criteria: ACMG Guidelines, 2015. Collection method: clinical testing. Allele origin: germline.
Comment: This variant causes a C>T nucleotide substitution at the -4 position of intron 7 of the BAP1 gene. To our knowledge, functional studies have not been performed for this variant. This variant has not been reported in individuals affected with hereditary cancer in the literature. This variant has not been identified in the general population by the Genome Aggregation Database (gnomAD). The available evidence is insufficient to determine the role of this variant in disease conclusively. Therefore, this variant is classified as a Variant of Uncertain Significance.

Illumina Laboratory Services, Illumina
Classification: Uncertain significance for BAP1-related tumor predisposition syndrome. Last evaluated: 2018-01-13. Review status: criteria provided, single submitter. Criteria: ICSL Variant Classification Criteria 13 December 2019. Collection method: clinical testing. Allele origin: germline.